The following is an entry in ClinVar:

NM_006648.4(WNK2):c.5983G>A (p.Gly1995Arg)

Gene: WNK2 (WNK lysine deficient protein kinase 2; plus strand). Cytogenetic location: 9q22.31.
Variant type: single nucleotide variant.
Coding change: c.5983G>A on transcript NM_006648.4 (MANE Select); coding-DNA position 5983, G replaced by A.
Protein change: p.Gly1995Arg; replaces glycine 1995 with arginine.
Molecular consequence: missense variant.
Genome position (GRCh38, 1-based): chr9:93,299,129, G>A. VCF-style: chr9-93299129-G-A. GRCh37 (hg19) VCF-style: chr9-96061411-G-A.
Other names: c.6094G>A, p.Gly2032Arg (NM_001282394.3); short protein forms G1995R, G2032R.
Identifiers: ClinVar variation 3817066 (VCV003817066.1).

ClinVar aggregate classification (germline): Uncertain significance (1 of 4 stars; one submission).

gnomAD v4.1: 8 of 1,611,998 alleles (0.0005%); highest among the groups gnomAD compares: East Asian, 0.016%; no homozygotes.

Submission:

Ambry Genetics
Classification: Uncertain significance. Last evaluated: 2025-02-13. Review status: criteria provided, single submitter. Criteria: Ambry Variant Classification Scheme 2023. Collection method: clinical testing. Allele origin: germline.
Comment: The p.G1995R variant (also known as c.5983G>A), located in coding exon 24 of the WNK2 gene, results from a G to A substitution at nucleotide position 5983. The glycine at codon 1995 is replaced by arginine, an amino acid with dissimilar properties. This amino acid position is conserved. In addition, this alteration is predicted to be tolerated by in silico analysis. Based on the available evidence, the clinical significance of this variant remains unclear.